The following is an entry in ClinVar:

NM_001164688.2(RD3):c.*368A>T

Gene: RD3 (RD3 regulator of GUCY2D; minus strand). Cytogenetic location: 1q32.3.
Variant type: single nucleotide variant.
Coding change: c.*368A>T on transcript NM_001164688.2 (MANE Select); 368 bases downstream of the stop codon, A replaced by T.
Molecular consequence: 3 prime UTR variant.
Genome position (GRCh38, 1-based): chr1:211,478,668, T>A on the plus strand (A>T on the coding strand, the complement: RD3 is on the minus strand). VCF-style: chr1-211478668-T-A. GRCh37 (hg19) VCF-style: chr1-211652010-T-A.
Other names: NC_000001.10:g.211652010T>A; c.*368A>T (NM_183059.3).
Identifiers: ClinVar variation 295251 (VCV000295251.7), dbSNP rs1947058, ClinGen allele CA10609718.

ClinVar aggregate classification (germline): Benign. Review status: criteria provided, multiple submitters, no conflicts (2 of 4 stars). 2 submissions from 2 submitters: Benign (2). Last evaluated 2018-01-12.

Conditions:
Leber congenital amaurosis 12 (LCA12). Identifiers: Orphanet 65, MedGen C1857743, MONDO:0012525, OMIM 610612.

Allele frequency attached by ClinVar (database versions not stated): gnomAD exomes 0.12559; gnomAD 0.18576 and 0.18681; TOPMed 0.19771; 1000 Genomes Project 0.24740; 1000 Genomes Project 30x 0.25109.
gnomAD v4.1: 41,250 of 255,458 alleles (16%); highest among the groups gnomAD compares: African/African-American, 32%; 4,469 homozygotes.

Submissions (6):

Illumina Laboratory Services, Illumina
Classification: Benign for Leber congenital amaurosis 12. Last evaluated: 2018-01-12. Review status: criteria provided, single submitter. Criteria: ICSL Variant Classification Criteria 13 December 2019. Collection method: clinical testing. Allele origin: germline.
Comment: This variant was observed in the ICSL laboratory as part of a predisposition screen in an ostensibly healthy population. It had not been previously curated by ICSL or reported in the Human Gene Mutation Database (HGMD: prior to June 1st, 2018), and was therefore a candidate for classification through an automated scoring system. Utilizing variant allele frequency, disease prevalence and penetrance estimates, and inheritance mode, an automated score was calculated to assess if this variant is too frequent to cause the disease. Based on the score and internal cut-off values, a variant classified as benign is not then subjected to further curation. The score for this variant resulted in a classification of benign for this disease.

Breakthrough Genomics
Classification: Benign. Review status: criteria provided, single submitter. Criteria: ACMG Guidelines, 2015. Collection method: not provided. Allele origin: germline. Inheritance: Autosomal recessive inheritance. Affected: yes.

Dr. Peter K. Rogan Lab, Western University
No classification provided (evidence only). Condition: Nonpapillary renal cell carcinoma. Review status: no classification provided. Collection method: in vitro. Allele origin: not applicable. Functional consequence: retained intron. Not counted in ClinVar's aggregate classification.

Dr. Peter K. Rogan Lab, Western University
No classification provided (evidence only). Condition: Familial pancreatic carcinoma. Review status: no classification provided. Collection method: in vitro. Allele origin: not applicable. Functional consequence: retained intron. Not counted in ClinVar's aggregate classification.

Dr. Peter K. Rogan Lab, Western University
No classification provided (evidence only). Condition: Familial pancreatic carcinoma. Review status: no classification provided. Collection method: in vitro. Allele origin: not applicable. Functional consequence: retained intron. Not counted in ClinVar's aggregate classification.

Dr. Peter K. Rogan Lab, Western University
No classification provided (evidence only). Condition: Ovarian cancer. Review status: no classification provided. Collection method: in vitro. Allele origin: not applicable. Functional consequence: retained intron. Not counted in ClinVar's aggregate classification.